The following is an entry in ClinVar:

ClinVar aggregate classification (germline): Uncertain significance. Review status: criteria provided, multiple submitters, no conflicts (2 of 4 stars). 3 submissions from 3 submitters: Uncertain significance (2). 1 of the submissions does not count toward it. Last evaluated 2025-10-29.

Conditions:
Inborn genetic diseases. Identifiers: MedGen C0950123, MeSH D030342.
Treacher Collins syndrome 1 (TCS1). Also called: TCOF1-Related Treacher Collins Syndrome. Identifiers: Orphanet 861, MedGen CN315775, MONDO:0007944, OMIM 154500.

Allele frequency attached by ClinVar (database versions not stated): gnomAD exomes 0.00001; TOPMed 0.00001.
gnomAD v4.1: 7 of 1,601,012 alleles (0.00044%); highest among the groups gnomAD compares: Admixed American, 0.012%; no homozygotes.

Submissions (3):

Ambry Genetics
Classification: Uncertain significance for Inborn genetic diseases. Last evaluated: 2025-10-29. Review status: criteria provided, single submitter. Criteria: Ambry Variant Classification Scheme 2023. Collection method: clinical testing. Allele origin: germline.

Labcorp Genetics (formerly Invitae), Labcorp
Classification: Uncertain significance for Treacher Collins syndrome 1. Last evaluated: 2023-10-09. Review status: criteria provided, single submitter. Criteria: Invitae Variant Classification Sherloc (09022015). Collection method: clinical testing. Allele origin: germline.
Comment: This sequence change replaces lysine, which is basic and polar, with arginine, which is basic and polar, at codon 1346 of the TCOF1 protein (p.Lys1346Arg). This variant is present in population databases (no rsID available, gnomAD 0.02%). This variant has not been reported in the literature in individuals affected with TCOF1-related conditions. An algorithm developed to predict the effect of missense changes on protein structure and function (PolyPhen-2) suggests that this variant is likely to be disruptive. In summary, the available evidence is currently insufficient to determine the role of this variant in disease. Therefore, it has been classified as a Variant of Uncertain Significance.

Clinical Genomics Laboratory, Stanford Medicine
Classification: Uncertain significance for Treacher Collins syndrome 1. Last evaluated: 2021-06-03. Review status: no assertion criteria provided. Collection method: clinical testing. Allele origin: germline. Inheritance: Autosomal dominant inheritance. Affected: yes. Observed: 1 heterozygote. Not counted in ClinVar's aggregate classification.
Comment: The p.Lys1346Arg variant in the TCOF1 gene has not been previously reported in association with disease in the literature. The p.Lys1346Arg variant has been identified in 6/31,222 Latino chromosomes by the Genome Aggregation Database. Computational tools predict that this does not impact protein function; however, the accuracy of in silico algorithms is limited. Previously reported disease-causing variants in TCOF1 have been primarily truncating variants, whereas this variant results in a single amino acid substitution. The significance of this type of variation in the TCOF1 gene is currently unclear. These data were assessed using the ACMG/AMP variant interpretation guidelines. In summary, the significance of the p.Lys1346Arg variant is uncertain. Additional information is needed to resolve the significance of this variant. [ACMG evidence codes used: PM2; PP1]

NM_001371623.1(TCOF1):c.4040A>G (p.Lys1347Arg)

Gene: TCOF1 (treacle ribosome biogenesis factor 1; plus strand). Cytogenetic location: 5q32.
Variant type: single nucleotide variant.
Coding change: c.4040A>G on transcript NM_001371623.1 (MANE Select); coding-DNA position 4040, A replaced by G.
Protein change: p.Lys1347Arg; replaces lysine 1347 with arginine.
Molecular consequence: missense variant.
Genome position (GRCh38, 1-based): chr5:150,396,537, A>G. VCF-style: chr5-150396537-A-G. GRCh37 (hg19) VCF-style: chr5-149776100-A-G.
Other names: p.Lys1346Arg; c.3806A>G, p.Lys1269Arg (NM_000356.4); c.4037A>G, p.Lys1346Arg (NM_001135243.2); c.3926A>G, p.Lys1309Arg (NM_001135244.2); c.3809A>G, p.Lys1270Arg (NM_001135245.2); c.3923A>G, p.Lys1308Arg (NM_001195141.2); short protein forms K1269R, K1270R, K1308R, K1309R, K1346R, K1347R.
Identifiers: ClinVar variation 2671838 (VCV002671838.5), dbSNP rs1172106416, ClinGen allele CA361742273.
Genomic context (GRCh38, chr5:150,396,537, plus strand): 5'-AAAGAAAGAAGGTGGTGGACACCACCAAGGAGAGCAGCAGGAAGGGCTGGGAGAGCCGCA[A>G]GCGGAAGCTATCGGGAGACCAGCCAGCTGCCAGGACCCCCAGGAGCAAGAAGAAGAAGAA-3'
Protein context (NP_001358552.1, residues 1337-1357): ESSRKGWESR[Lys1347Arg]RKLSGDQPAA